The following is an entry in ClinVar:

ClinVar aggregate classification (germline): Likely benign (1 of 4 stars; one submission).

Conditions:
FBN2-related disorder. Also called: FBN2-related condition.

gnomAD v4.1: 2 of 1,614,044 alleles (0.00012%); highest among the groups gnomAD compares: East Asian, 0.0022%; no homozygotes.

Submission:

PreventionGenetics, part of Exact Sciences
Classification: Likely benign for FBN2-related condition. Last evaluated: 2025-12-04. Review status: criteria provided, single submitter. Criteria: ACMG Guidelines, 2015. Collection method: clinical testing. Allele origin: germline.
Comment: This variant is classified as likely benign based on ACMG/AMP sequence variant interpretation guidelines (Richards et al. 2015 PMID: 25741868, with internal and published modifications).

NM_001999.4(FBN2):c.7450A>G (p.Ile2484Val)

Gene: FBN2 (fibrillin 2; minus strand). Cytogenetic location: 5q23.3.
Variant type: single nucleotide variant.
Coding change: c.7450A>G on transcript NM_001999.4 (MANE Select); coding-DNA position 7450, A replaced by G.
Protein change: p.Ile2484Val; replaces isoleucine 2484 with valine.
Molecular consequence: missense variant.
Genome position (GRCh38, 1-based): chr5:128,277,901, T>C on the plus strand (A>G on the coding strand, the complement: FBN2 is on the minus strand). VCF-style: chr5-128277901-T-C. GRCh37 (hg19) VCF-style: chr5-127613593-T-C.
Other names: short protein forms I2484V.
Identifiers: ClinVar variation 4995002 (VCV004995002.1).